The following is an entry in ClinVar:

ClinVar aggregate classification (germline): Uncertain significance. Review status: criteria provided, multiple submitters, no conflicts (2 of 4 stars). 2 submissions from 2 submitters: Uncertain significance (2). Last evaluated 2025-08-27.

Allele frequency attached by ClinVar (database versions not stated): gnomAD exomes 0.00002.
gnomAD v4.1: 4 of 1,603,844 alleles (0.00025%); highest among the groups gnomAD compares: Admixed American, 0.0067%; no homozygotes.

Submissions (2):

Labcorp Genetics (formerly Invitae), Labcorp
Classification: Uncertain significance. Last evaluated: 2025-08-27. Review status: criteria provided, single submitter. Criteria: Invitae Variant Classification Sherloc (09022015). Collection method: clinical testing. Allele origin: germline.
Comment: This sequence change falls in intron 14 of the ARID1A gene. It does not directly change the encoded amino acid sequence of the ARID1A protein. It affects a nucleotide within the consensus splice site. This variant is present in population databases (no rsID available, gnomAD 0.01%). This variant has not been reported in the literature in individuals affected with ARID1A-related conditions. ClinVar contains an entry for this variant (Variation ID: 386483). Variants that disrupt the consensus splice site are a relatively common cause of aberrant splicing (PMID: 17576681, 9536098). Algorithms developed to predict the effect of sequence changes on RNA splicing suggest that this variant is not likely to affect RNA splicing. In summary, the available evidence is currently insufficient to determine the role of this variant in disease. Therefore, it has been classified as a Variant of Uncertain Significance.

GeneDx
Classification: Uncertain significance. Last evaluated: 2016-05-18. Review status: criteria provided, single submitter. Criteria: GeneDx Variant Classification (06012015). Collection method: clinical testing. Allele origin: germline. Affected: yes.
Comment: The c.3715+5C>T variant in the ARID1A gene has not been reported previously as a pathogenic variant nor as a benign variant, to our knowledge. While the c.3715+5C>T variant is not predicted to affect splicing, this variant was not observed in approximately 6500 individuals of European and African American ancestry in the NHLBI Exome Sequencing Project, indicating it is not a common benign variant in these populations. We interpret c.3715+5C>T as a variant of uncertain significance.

Literature cited by the submitters: PubMed 17576681 (cited by Labcorp Genetics (formerly Invitae), Labcorp); PubMed 9536098 (cited by Labcorp Genetics (formerly Invitae), Labcorp).

NM_006015.6(ARID1A):c.3715+5C>T

Genes: ARID1A (AT-rich interaction domain 1A; plus strand), LOC126805670 (CDK7 strongly-dependent group 2 enhancer GRCh37_chr1:27098665-27099864; plus strand). Cytogenetic location: 1p36.11.
Variant type: single nucleotide variant.
Coding change: c.3715+5C>T on transcript NM_006015.6 (MANE Select); 5 bases into the intron after coding-DNA position 3715, C replaced by T.
Molecular consequence: intron variant.
Genome position (GRCh38, 1-based): chr1:26,772,992, C>T. VCF-style: chr1-26772992-C-T. GRCh37 (hg19) VCF-style: chr1-27099483-C-T.
Other names: c.3715+5C>T (LRG_875t1, NM_139135.4).
Identifiers: ClinVar variation 386483 (VCV000386483.4), dbSNP rs1057522508, ClinGen allele CA16603647.